The following is an entry in ClinVar:

ClinVar aggregate classification (germline): Uncertain significance (1 of 4 stars; one submission).

Allele frequency attached by ClinVar (database versions not stated): TOPMed 0.00002.

Submission:

Labcorp Genetics (formerly Invitae), Labcorp
Classification: Uncertain significance. Last evaluated: 2022-03-11. Review status: criteria provided, single submitter. Criteria: Invitae Variant Classification Sherloc (09022015). Collection method: clinical testing. Allele origin: germline.
Comment: This variant is not present in population databases (gnomAD no frequency). In summary, the available evidence is currently insufficient to determine the role of this variant in disease. Therefore, it has been classified as a Variant of Uncertain Significance. Algorithms developed to predict the effect of missense changes on protein structure and function are either unavailable or do not agree on the potential impact of this missense change (SIFT: "Deleterious"; PolyPhen-2: "Benign"; Align-GVGD: "Class C0"). This variant has not been reported in the literature in individuals affected with TSEN54-related conditions. This sequence change replaces aspartic acid, which is acidic and polar, with histidine, which is basic and polar, at codon 434 of the TSEN54 protein (p.Asp434His).

NM_207346.3(TSEN54):c.1300G>C (p.Asp434His)

Gene: TSEN54 (tRNA splicing endonuclease subunit 54; plus strand). Cytogenetic location: 17q25.1.
Variant type: single nucleotide variant.
Coding change: c.1300G>C on transcript NM_207346.3 (MANE Select); coding-DNA position 1300, G replaced by C.
Protein change: p.Asp434His; replaces aspartic acid 434 with histidine.
Molecular consequence: missense variant.
Genome position (GRCh38, 1-based): chr17:75,523,322, G>C. VCF-style: chr17-75523322-G-C. GRCh37 (hg19) VCF-style: chr17-73519403-G-C.
Other names: short protein forms D434H.
Identifiers: ClinVar variation 1938322 (VCV001938322.4), dbSNP rs2053450810, ClinGen allele CA401030537.
Genomic context (GRCh38, chr17:75,523,322, plus strand): 5'-TGTGTCCTTGTAGCCGTGGTCCTTCAGCATATCTCTGTGCTGCAGACAACACACCTTCCT[G>C]ATGGAGGTGCCCGGTAAGTTTCCAAGCAGTGCCGTCTCTGCAGTACCTTGACCGCCAGGA-3'
Protein context (NP_997229.2, residues 424-444): ISVLQTTHLP[Asp434His]GGARLLEKSG